The following is an entry in ClinVar:

ClinVar aggregate classification (germline): Uncertain significance (1 of 4 stars; one submission).

Submission:

Labcorp Genetics (formerly Invitae), Labcorp
Classification: Uncertain significance. Last evaluated: 2022-09-20. Review status: criteria provided, single submitter. Criteria: Invitae Variant Classification Sherloc (09022015). Collection method: clinical testing. Allele origin: germline.
Comment: In summary, the available evidence is currently insufficient to determine the role of this variant in disease. Therefore, it has been classified as a Variant of Uncertain Significance. Algorithms developed to predict the effect of missense changes on protein structure and function are either unavailable or do not agree on the potential impact of this missense change (SIFT: "Deleterious"; PolyPhen-2: "Benign"; Align-GVGD: "Class C0"). This variant has not been reported in the literature in individuals affected with TNFAIP3-related conditions. This variant is not present in population databases (gnomAD no frequency). This sequence change replaces methionine, which is neutral and non-polar, with threonine, which is neutral and polar, at codon 788 of the TNFAIP3 protein (p.Met788Thr).

NM_001270508.2(TNFAIP3):c.2363T>C (p.Met788Thr)

Gene: TNFAIP3 (TNF alpha induced protein 3; plus strand). Cytogenetic location: 6q23.3.
Variant type: single nucleotide variant.
Coding change: c.2363T>C on transcript NM_001270508.2 (MANE Select); coding-DNA position 2363, T replaced by C.
Protein change: p.Met788Thr; replaces methionine 788 with threonine.
Molecular consequence: missense variant.
Genome position (GRCh38, 1-based): chr6:137,881,309, T>C. VCF-style: chr6-137881309-T-C. GRCh37 (hg19) VCF-style: chr6-138202446-T-C.
Other names: c.2363T>C, p.Met788Thr (NM_001270507.2, NM_006290.4); short protein forms M788T.
Identifiers: ClinVar variation 1719895 (VCV001719895.5), dbSNP rs2482775913, ClinGen allele CA365798355.